The following is an entry in ClinVar:

NM_001378457.1(DMXL2):c.7036T>G (p.Cys2346Gly)

Gene: DMXL2 (Dmx like 2; minus strand). Cytogenetic location: 15q21.2.
Variant type: single nucleotide variant.
Coding change: c.7036T>G on transcript NM_001378457.1 (MANE Select); coding-DNA position 7036, T replaced by G.
Protein change: p.Cys2346Gly; replaces cysteine 2346 with glycine.
Molecular consequence: missense variant. On other transcripts: non-coding transcript variant (2).
Genome position (GRCh38, 1-based): chr15:51,474,521, A>C on the plus strand (T>G on the coding strand, the complement: DMXL2 is on the minus strand). VCF-style: chr15-51474521-A-C. GRCh37 (hg19) VCF-style: chr15-51766718-A-C.
Other names: c.7036T>G, p.Cys2346Gly (NM_001174116.3, NM_001378459.1, NM_001378461.1 and 1 more transcripts); c.5125T>G, p.Cys1709Gly (NM_001174117.3); c.7033T>G, p.Cys2345Gly (NM_001378458.1, NM_001378462.1, NM_015263.5); c.5014T>G, p.Cys1672Gly (NM_001378460.1); c.6793T>G, p.Cys2265Gly (NM_001378464.1); c.7036T>G (NM_001174116.1); short protein forms C1672G, C1709G, C2345G, C2265G, C2346G.
Identifiers: ClinVar variation 2084508 (VCV002084508.3), dbSNP rs371929661, ClinGen allele CA7561466.

ClinVar aggregate classification (germline): Uncertain significance. Review status: criteria provided, multiple submitters, no conflicts (2 of 4 stars). 3 submissions from 3 submitters: Uncertain significance (3). Last evaluated 2026-06-01.

Conditions:
DMXL2-related disorder. Also called: DMXL2-related condition.
Inborn genetic diseases. Identifiers: MedGen C0950123, MeSH D030342.

Allele frequency attached by ClinVar (database versions not stated): ExAC 0.00002; gnomAD exomes 0.00004; TOPMed 0.00004; gnomAD 0.00005; ESP Exome Variant Server 0.00008.
gnomAD v4.1: 67 of 1,614,054 alleles (0.0042%); highest among the groups gnomAD compares: Non-Finnish European, 0.0054%; no homozygotes.

Submissions (3):

PreventionGenetics, part of Exact Sciences
Classification: Uncertain significance for DMXL2-related condition. Last evaluated: 2026-06-01. Review status: criteria provided, single submitter. Criteria: ACMG Guidelines, 2015. Collection method: clinical testing. Allele origin: germline.
Comment: The DMXL2 c.7036T>G variant is predicted to result in the amino acid substitution p.Cys2346Gly. To our knowledge, this variant has not been reported in the literature. This variant is reported in 0.0044% of alleles in individuals of European (Non-Finnish) descent in gnomAD. However, in gnomAD v4 (available only on GRCh38), this variant is reported in 67 alleles globally, which is likely too common for a highly penetrant pathogenic variant. At this time, the clinical significance of this variant is uncertain due to the absence of conclusive functional and genetic evidence.

Ambry Genetics
Classification: Uncertain significance for Inborn genetic diseases. Last evaluated: 2024-05-21. Review status: criteria provided, single submitter. Criteria: Ambry Variant Classification Scheme 2023. Collection method: clinical testing. Allele origin: germline.

Labcorp Genetics (formerly Invitae), Labcorp
Classification: Uncertain significance. Last evaluated: 2022-07-26. Review status: criteria provided, single submitter. Criteria: Invitae Variant Classification Sherloc (09022015). Collection method: clinical testing. Allele origin: germline.
Comment: This sequence change replaces cysteine, which is neutral and slightly polar, with glycine, which is neutral and non-polar, at codon 2346 of the DMXL2 protein (p.Cys2346Gly). This variant is present in population databases (rs371929661, gnomAD 0.004%). This variant has not been reported in the literature in individuals affected with DMXL2-related conditions. Algorithms developed to predict the effect of missense changes on protein structure and function are either unavailable or do not agree on the potential impact of this missense change (SIFT: "Deleterious"; PolyPhen-2: "Possibly Damaging"; Align-GVGD: "Class C0"). Algorithms developed to predict the effect of sequence changes on RNA splicing suggest that this variant may create or strengthen a splice site. In summary, the available evidence is currently insufficient to determine the role of this variant in disease. Therefore, it has been classified as a Variant of Uncertain Significance.